The following is an entry in ClinVar:

NC_000023.10:g.(?_32715967)_(32827748_?)dup

Gene: DMD (dystrophin; minus strand). Cytogenetic location: Xp21.1.
Variant type: Duplication.
Identifiers: ClinVar variation 2424993 (VCV002424993.5).

ClinVar aggregate classification (germline): Likely pathogenic (1 of 4 stars; one submission).

Conditions:
Duchenne muscular dystrophy (DMD). Also called: Duchenne Muscular Dystrophy (DMD); MUSCULAR DYSTROPHY, PSEUDOHYPERTROPHIC PROGRESSIVE, DUCHENNE TYPE. Identifiers: Orphanet 98896, MedGen C0013264, MONDO:0010679, OMIM 310200.

Submission:

Labcorp Genetics (formerly Invitae), Labcorp
Classification: Likely pathogenic for Duchenne muscular dystrophy. Last evaluated: 2023-07-26. Review status: criteria provided, single submitter. Criteria: Invitae Variant Classification Sherloc (09022015). Collection method: clinical testing. Allele origin: germline.
Comment: This variant results in a copy number gain of the genomic region encompassing exon(s) 7-9 of the DMD gene. While the exact position of this variant cannot be determined from the data, sub-genic copy number gains are generally in tandem (PMID: 25640679). This variant is predicted to be out-of-frame, and may result in an absent or disrupted protein product. Loss-of-function variants in DMD are known to be pathogenic (PMID: 16770791, 25007885). In summary, the currently available evidence indicates that the variant is pathogenic, but additional data are needed to prove that conclusively. Therefore, this variant has been classified as Likely Pathogenic. A similar copy number variant has been observed in individual(s) with Duchenne or Becker muscular dystrophy (PMID: 7897627).

Literature cited by the submitters: PubMed 25640679; PubMed 16770791; PubMed 25007885; PubMed 7897627.